The following is an entry in ClinVar:

NM_001367624.2(ZNF469):c.4651G>A (p.Val1551Ile)

Gene: ZNF469 (zinc finger protein 469; plus strand). Cytogenetic location: 16q24.2.
Variant type: single nucleotide variant.
Coding change: c.4651G>A on transcript NM_001367624.2 (MANE Select); coding-DNA position 4651, G replaced by A.
Protein change: p.Val1551Ile; replaces valine 1551 with isoleucine.
Molecular consequence: missense variant.
Genome position (GRCh38, 1-based): chr16:88,432,121, G>A. VCF-style: chr16-88432121-G-A. GRCh37 (hg19) VCF-style: chr16-88498529-G-A.
Other names: NM_001127464.1:c.4567G>A; NM_001127464.2:c.4567G>A; short protein forms V1551I.
Identifiers: ClinVar variation 1203683 (VCV001203683.8), dbSNP rs143740518, ClinGen allele CA8224992.

ClinVar aggregate classification (germline): Uncertain significance. Review status: criteria provided, multiple submitters, no conflicts (2 of 4 stars). 4 submissions from 4 submitters: Uncertain significance (4). Last evaluated 2026-08-07.

Conditions:
Cardiovascular phenotype. Identifiers: MedGen CN230736.
ZNF469-related disorder. Also called: ZNF469-related condition.

Allele frequency attached by ClinVar (database versions not stated): ExAC 0.00005; gnomAD exomes 0.00008; gnomAD 0.00013; 1000 Genomes Project 30x 0.00016; 1000 Genomes Project 0.00020; TOPMed 0.00025.
gnomAD v4.1: 99 of 1,550,416 alleles (0.0064%); highest among the groups gnomAD compares: Admixed American, 0.039%; no homozygotes.

Submissions (4):

PreventionGenetics, part of Exact Sciences
Classification: Uncertain significance for ZNF469-related condition. Last evaluated: 2026-08-07. Review status: criteria provided, single submitter. Criteria: ACMG Guidelines, 2015. Collection method: clinical testing. Allele origin: germline.
Comment: The ZNF469 c.4567G>A variant is predicted to result in the amino acid substitution p.Val1523Ile. To our knowledge, this variant has not been reported in the literature. This variant is reported in 0.023% of alleles in individuals of Latino descent in gnomAD. At this time, the clinical significance of this variant is uncertain due to the absence of conclusive functional and genetic evidence.

Ambry Genetics
Classification: Uncertain significance for Cardiovascular phenotype. Last evaluated: 2024-01-04. Review status: criteria provided, single submitter. Criteria: Ambry Variant Classification Scheme 2023. Collection method: clinical testing. Allele origin: germline.

Labcorp Genetics (formerly Invitae), Labcorp
Classification: Uncertain significance. Last evaluated: 2022-05-30. Review status: criteria provided, single submitter. Criteria: Invitae Variant Classification Sherloc (09022015). Collection method: clinical testing. Allele origin: germline.
Comment: This sequence change replaces valine, which is neutral and non-polar, with isoleucine, which is neutral and non-polar, at codon 1523 of the ZNF469 protein (p.Val1523Ile). This variant is present in population databases (rs143740518, gnomAD 0.02%). This variant has not been reported in the literature in individuals affected with ZNF469-related conditions. ClinVar contains an entry for this variant (Variation ID: 1203683). Algorithms developed to predict the effect of missense changes on protein structure and function output the following: SIFT: "Tolerated"; PolyPhen-2: "Benign"; Align-GVGD: "Class C0". The isoleucine amino acid residue is found in multiple mammalian species, which suggests that this missense change does not adversely affect protein function. In summary, the available evidence is currently insufficient to determine the role of this variant in disease. Therefore, it has been classified as a Variant of Uncertain Significance.

GeneDx
Classification: Uncertain significance. Last evaluated: 2021-05-24. Review status: criteria provided, single submitter. Criteria: GeneDx Variant Classification Process June 2021. Collection method: clinical testing. Allele origin: germline. Affected: yes.
Comment: Has not been previously published as pathogenic or benign to our knowledge; In silico analysis supports that this missense variant does not alter protein structure/function